The following is an entry in ClinVar:

NM_033305.3(VPS13A):c.754+1G>A

Gene: VPS13A (vacuolar protein sorting 13 homolog A; plus strand). Cytogenetic location: 9q21.2.
Variant type: single nucleotide variant.
Coding change: c.754+1G>A on transcript NM_033305.3 (MANE Select); the canonical splice donor site of the intron after coding-DNA position 754, G replaced by A.
Molecular consequence: splice donor variant.
Genome position (GRCh38, 1-based): chr9:77,214,387, G>A. VCF-style: chr9-77214387-G-A. GRCh37 (hg19) VCF-style: chr9-79829303-G-A.
Other names: c.754+1G>A (NM_033305.2, NM_001018037.2, NM_015186.4 and 1 more transcripts).
Identifiers: ClinVar variation 4807477 (VCV004807477.3).

ClinVar aggregate classification (germline): Likely pathogenic. Review status: criteria provided, multiple submitters, no conflicts (2 of 4 stars). 2 submissions from 2 submitters: Likely pathogenic (2). Last evaluated 2026-01-20.

Conditions:
VPS13A-related neurodegenerative disease. Also called: VPS13A Disease; Choreaacanthocytosis; ACANTHOCYTOSIS WITH NEUROLOGIC DISORDER; LEVINE-CRITCHLEY SYNDROME; Choreoacanthocytosis; Chorea-acanthocytosis. Identifiers: Orphanet 2388, MedGen C0393576, MONDO:0008695, OMIM 200150.

gnomAD v4.1: 2 of 1,610,640 alleles (0.00012%); highest among the groups gnomAD compares: Admixed American, 0.0033%; no homozygotes.

Submissions (2):

Labcorp Genetics (formerly Invitae), Labcorp
Classification: Likely pathogenic. Last evaluated: 2026-01-20. Review status: criteria provided, single submitter. Criteria: Invitae Variant Classification Sherloc (09022015). Collection method: clinical testing. Allele origin: germline.
Comment: This sequence change affects a donor splice site in intron 10 of the VPS13A gene. It is expected to disrupt RNA splicing. Variants that disrupt the donor or acceptor splice site typically lead to a loss of protein function (PMID: 16199547), and loss-of-function variants in VPS13A are known to be pathogenic (PMID: 12404112, 21598378). This variant is not present in population databases (gnomAD no frequency). This variant has not been reported in the literature in individuals affected with VPS13A-related conditions. Algorithms developed to predict the effect of sequence changes on RNA splicing suggest that this variant may disrupt the consensus splice site. In summary, the currently available evidence indicates that the variant is pathogenic, but additional data are needed to prove that conclusively. Therefore, this variant has been classified as Likely Pathogenic.

Natera, Inc.
Classification: Likely pathogenic for Choreaacanthocytosis. Last evaluated: 2025-09-10. Review status: criteria provided, single submitter. Criteria: Natera Variant Classification Schema (03/2026). Collection method: clinical testing. Allele origin: germline.
Comment: The c.754+1G>A variant in VPS13A is a canonical splice donor site variant predicted to affect pre-mRNA splicing, which may result in an abnormal transcript and altered protein product. This variant is expected to result in nonsense mediated decay, truncation, or a dysfunctional protein product. This variant is rare in the general population with a frequency below the threshold expected for the associated phenotype(s). Given the available evidence, this variant is classified as Likely Pathogenic.

Literature cited by the submitters: PubMed 16199547 (cited by Labcorp Genetics (formerly Invitae), Labcorp); PubMed 12404112 (cited by Labcorp Genetics (formerly Invitae), Labcorp); PubMed 21598378 (cited by Labcorp Genetics (formerly Invitae), Labcorp).